The following is an entry in ClinVar:

ClinVar aggregate classification (germline): Pathogenic/Likely pathogenic. Review status: criteria provided, multiple submitters, no conflicts (2 of 4 stars). 8 submissions from 8 submitters: Pathogenic (4); Likely pathogenic (1). 3 of the submissions do not count toward it. Last evaluated 2026-02-12.

Conditions:
SCNN1B-related disorder. Also called: SCNN1B-related condition.
Pseudohypoaldosteronism, type IB2, autosomal recessive (PHA1B2). Identifiers: MedGen C5774255, MONDO:0859317, OMIM 620125.

Allele frequency attached by ClinVar (database versions not stated): gnomAD 0.00002; gnomAD exomes 0.00002; TOPMed 0.00002; 1000 Genomes Project 30x 0.00016; 1000 Genomes Project 0.00020.
gnomAD v4.1: 38 of 1,613,120 alleles (0.0024%); highest among the groups gnomAD compares: East Asian, 0.011%; no homozygotes.

Submissions (8):

GeneDx
Classification: Pathogenic. Last evaluated: 2026-02-12. Review status: criteria provided, single submitter. Criteria: GeneDx Variant Classification Process June 2021. Collection method: clinical testing. Allele origin: germline.
Comment: Canonical splice site variant predicted to result in a null allele in a gene for which loss of function is a known mechanism of disease; This variant is associated with the following publications: (PMID: 25525159, 31301676, 32840096, 12107247, 27535533)

Labcorp Genetics (formerly Invitae), Labcorp
Classification: Pathogenic. Last evaluated: 2026-01-02. Review status: criteria provided, single submitter. Criteria: Invitae Variant Classification Sherloc (09022015). Collection method: clinical testing. Allele origin: germline.
Comment: This sequence change affects a donor splice site in intron 12 of the SCNN1B gene. While this variant is not anticipated to result in nonsense mediated decay, it likely alters RNA splicing and results in a disrupted protein product. This variant is present in population databases (rs550424284, gnomAD 0.003%). Disruption of this splice site has been observed in individuals with clinical features of autosomal recessive pseudohypoaldosteronism (PMID: 12107247, 15853823, 31301676; internal data). This variant is also known as 1669+1G>A. ClinVar contains an entry for this variant (Variation ID: 870735). Variants that disrupt the consensus splice site are a relatively common cause of aberrant splicing (PMID: 17576681, 9536098). Algorithms developed to predict the effect of sequence changes on RNA splicing suggest that this variant may disrupt the consensus splice site. For these reasons, this variant has been classified as Pathogenic.

Blueprint Genetics
Classification: Pathogenic for SCNN1B-related disorders. Last evaluated: 2024-09-26. Review status: criteria provided, single submitter. Criteria: ACMG Guidelines, 2015. Collection method: clinical testing. Allele origin: germline. Affected: yes. Observed: 5 variant alleles.

Revvity Omics, Revvity
Classification: Likely pathogenic. Last evaluated: 2022-06-16. Review status: criteria provided, single submitter. Criteria: ACMG Guidelines, 2015. Collection method: clinical testing. Allele origin: germline.

CeGaT Center for Human Genetics Tuebingen
Classification: Pathogenic. Last evaluated: 2022-01-01. Review status: criteria provided, single submitter. Criteria: CeGaT Center For Human Genetics Tuebingen Variant Classification Criteria Version 2. Collection method: clinical testing. Allele origin: germline. Affected: yes. Observed: 2 variant alleles.

PreventionGenetics, part of Exact Sciences
Classification: Pathogenic for SCNN1B-related condition. Last evaluated: 2024-07-12. Review status: no assertion criteria provided. Collection method: clinical testing. Allele origin: germline. Not counted in ClinVar's aggregate classification.
Comment: The SCNN1B c.1542+1G>A variant is predicted to disrupt the GT donor site and interfere with normal splicing. This variant has been reported in the homozygous state in at least two unrelated individuals with pseudohypoaldosteronism type I (reported as 1669+1G>A in Saxena et al. 2002. PubMed ID: 12107247; Gopal-Kothandapani et al. 2019. PubMed ID: 31301676). This variant is reported in 0.0050% of alleles in individuals of East Asian descent in gnomAD. Variants that disrupt the consensus splice donor site in SCNN1B are expected to be pathogenic. This variant is interpreted as pathogenic for autosomal recessive SCNN1B-related disorders.

OMIM
Classification: Pathogenic for PSEUDOHYPOALDOSTERONISM, TYPE IB2, AUTOSOMAL RECESSIVE. Last evaluated: 2023-12-06. Review status: no assertion criteria provided. Collection method: literature only. Allele origin: germline. Not counted in ClinVar's aggregate classification.

Clinical Laboratory Sciences Program (CLSP), King Saud bin Abdulaziz University for Health Sciences (KSAU-HS)
Classification: Pathogenic for Pseudohypoaldosteronism, type IB2, autosomal recessive. Last evaluated: 2023-04-01. Review status: no assertion criteria provided. Collection method: clinical testing. Allele origin: germline. Affected: yes. Not counted in ClinVar's aggregate classification.

Literature cited by the submitters: PubMed 12107247 (cited by Labcorp Genetics (formerly Invitae), Labcorp and OMIM); PubMed 15853823 (cited by Labcorp Genetics (formerly Invitae), Labcorp and OMIM); PubMed 31301676 (cited by Labcorp Genetics (formerly Invitae), Labcorp); PubMed 17576681 (cited by Labcorp Genetics (formerly Invitae), Labcorp); PubMed 9536098 (cited by Labcorp Genetics (formerly Invitae), Labcorp).

NM_000336.3(SCNN1B):c.1542+1G>A

Gene: SCNN1B (sodium channel epithelial 1 subunit beta; plus strand). Cytogenetic location: 16p12.2.
Variant type: single nucleotide variant.
Coding change: c.1542+1G>A on transcript NM_000336.3 (MANE Select); the canonical splice donor site of the intron after coding-DNA position 1542, G replaced by A.
Molecular consequence: splice donor variant.
Genome position (GRCh38, 1-based): chr16:23,380,170, G>A. VCF-style: chr16-23380170-G-A. GRCh37 (hg19) VCF-style: chr16-23391491-G-A.
Other names: IVS12, G-A, +1; c.1434+1G>A (NM_001410900.1); c.1542+1G>A (NM_000336.2).
Identifiers: ClinVar variation 870735 (VCV000870735.64), dbSNP rs550424284, ClinGen allele CA279490697.